The following is an entry in ClinVar:

ClinVar aggregate classification (germline): Uncertain significance (1 of 4 stars; one submission).

Conditions:
Short-rib thoracic dysplasia 14 with polydactyly (SRTD14). Identifiers: Orphanet 397715, MedGen C4225286, MONDO:0014688, OMIM 616546.
Joubert syndrome 23 (JBTS23). Identifiers: Orphanet 475, MedGen C4084822, MONDO:0014664, OMIM 616490.

Allele frequency attached by ClinVar (database versions not stated): gnomAD exomes below 0.00001; gnomAD 0.00003 and 0.00004; TOPMed 0.00008.
gnomAD v4.1: 8 of 1,613,648 alleles (0.0005%); highest among the groups gnomAD compares: African/African-American, 0.0093%; no homozygotes.

Submission:

Labcorp Genetics (formerly Invitae), Labcorp
Classification: Uncertain significance for Joubert syndrome 23; Short-rib thoracic dysplasia 14 with polydactyly. Last evaluated: 2022-06-13. Review status: criteria provided, single submitter. Criteria: Invitae Variant Classification Sherloc (09022015). Collection method: clinical testing. Allele origin: germline.
Comment: In summary, the available evidence is currently insufficient to determine the role of this variant in disease. Therefore, it has been classified as a Variant of Uncertain Significance. Algorithms developed to predict the effect of missense changes on protein structure and function output the following: SIFT: "Tolerated"; PolyPhen-2: "Benign"; Align-GVGD: "Class C0". The glutamic acid amino acid residue is found in multiple mammalian species, which suggests that this missense change does not adversely affect protein function. This variant has not been reported in the literature in individuals affected with KIAA0586-related conditions. This variant is not present in population databases (gnomAD no frequency). This sequence change replaces aspartic acid, which is acidic and polar, with glutamic acid, which is acidic and polar, at codon 1140 of the KIAA0586 protein (p.Asp1140Glu).

NM_001329943.3(KIAA0586):c.3261T>A (p.Asp1087Glu)

Gene: KIAA0586 (KIAA0586; plus strand). Cytogenetic location: 14q23.1.
Variant type: single nucleotide variant.
Coding change: c.3261T>A on transcript NM_001329943.3 (MANE Select); coding-DNA position 3261, T replaced by A.
Protein change: p.Asp1087Glu; replaces aspartic acid 1087 with glutamic acid.
Molecular consequence: missense variant.
Genome position (GRCh38, 1-based): chr14:58,487,123, T>A. VCF-style: chr14-58487123-T-A. GRCh37 (hg19) VCF-style: chr14-58953841-T-A.
Other names: c.3420T>A, p.Asp1140Glu (NM_001244189.2); c.3216T>A, p.Asp1072Glu (NM_001244190.2); c.3006T>A, p.Asp1002Glu (NM_001244191.2, NM_001329945.2, NM_001364700.1 and 1 more transcripts); c.3129T>A, p.Asp1043Glu (NM_001244192.2); c.2841T>A, p.Asp947Glu (NM_001244193.2); c.3261T>A, p.Asp1087Glu (NM_001329944.2, NM_001329946.2, NM_001329947.2); c.3033T>A, p.Asp1011Glu (NM_014749.5); short protein forms D1002E, D1087E, D1140E, D947E, D1011E, D1072E, D1043E.
Identifiers: ClinVar variation 1401528 (VCV001401528.6), dbSNP rs1049863128, ClinGen allele CA261647143.